The following is an entry in ClinVar:

NM_001035.3(RYR2):c.14692T>G (p.Phe4898Val)

Gene: RYR2 (ryanodine receptor 2; plus strand). Cytogenetic location: 1q43.
Variant type: single nucleotide variant.
Coding change: c.14692T>G on transcript NM_001035.3 (MANE Select); coding-DNA position 14692, T replaced by G.
Protein change: p.Phe4898Val; replaces phenylalanine 4898 with valine.
Molecular consequence: missense variant.
Genome position (GRCh38, 1-based): chr1:237,830,566, T>G. VCF-style: chr1-237830566-T-G. GRCh37 (hg19) VCF-style: chr1-237993866-T-G.
Other names: short protein forms F4898V.
Identifiers: ClinVar variation 2044972 (VCV002044972.4), dbSNP rs886046280, ClinGen allele CA345409712.
Genomic context (GRCh38, chr1:237,830,566, plus strand): 5'-TTAATATTTCCCTTTGTTTTCTAGACCAAATGCTTCATCTGTGGGATAGGCAATGATTAC[T>G]TCGACACAGTGCCACATGGCTTTGAAACCCACACTTTACAGGAGCACAACTTGGCTAATT-3'
Protein context (NP_001026.2, residues 4888-4908): CFICGIGNDY[Phe4898Val]DTVPHGFETH

ClinVar aggregate classification (germline): Uncertain significance (1 of 4 stars; one submission).

Conditions:
Catecholaminergic polymorphic ventricular tachycardia 1. Also called: VENTRICULAR TACHYCARDIA, CATECHOLAMINERGIC POLYMORPHIC, 1, WITH OR WITHOUT ATRIAL DYSFUNCTION AND/OR DILATED CARDIOMYOPATHY; RYR2-Related Catecholaminergic Polymorphic Ventricular Tachycardia; VENTRICULAR TACHYCARDIA, STRESS-INDUCED POLYMORPHIC 1. Identifiers: Orphanet 3286, MedGen C1631597, MONDO:0011484, OMIM 604772.

Submission:

Labcorp Genetics (formerly Invitae), Labcorp
Classification: Uncertain significance for Catecholaminergic polymorphic ventricular tachycardia 1. Last evaluated: 2021-12-17. Review status: criteria provided, single submitter. Criteria: Invitae Variant Classification Sherloc (09022015). Collection method: clinical testing. Allele origin: germline.
Comment: In summary, the available evidence is currently insufficient to determine the role of this variant in disease. Therefore, it has been classified as a Variant of Uncertain Significance. Advanced modeling of protein sequence and biophysical properties (such as structural, functional, and spatial information, amino acid conservation, physicochemical variation, residue mobility, and thermodynamic stability) performed at Invitae indicates that this missense variant is expected to disrupt RYR2 protein function. This variant has not been reported in the literature in individuals affected with RYR2-related conditions. This variant is not present in population databases (gnomAD no frequency). This sequence change replaces phenylalanine, which is neutral and non-polar, with valine, which is neutral and non-polar, at codon 4898 of the RYR2 protein (p.Phe4898Val).